The following is an entry in ClinVar:

ClinVar aggregate classification (germline): Uncertain significance. Review status: criteria provided, multiple submitters, no conflicts (2 of 4 stars). 2 submissions from 2 submitters: Uncertain significance (2). Last evaluated 2024-10-06.

Allele frequency attached by ClinVar (database versions not stated): gnomAD exomes 0.00001.
gnomAD v4.1: 15 of 1,580,974 alleles (0.00095%); highest among the groups gnomAD compares: South Asian, 0.0023%; no homozygotes.

Submissions (2):

Ambry Genetics
Classification: Uncertain significance. Last evaluated: 2024-10-06. Review status: criteria provided, single submitter. Criteria: Ambry Variant Classification Scheme 2023. Collection method: clinical testing. Allele origin: germline.

Labcorp Genetics (formerly Invitae), Labcorp
Classification: Uncertain significance. Last evaluated: 2021-12-22. Review status: criteria provided, single submitter. Criteria: Invitae Variant Classification Sherloc (09022015). Collection method: clinical testing. Allele origin: germline.
Comment: Algorithms developed to predict the effect of missense changes on protein structure and function output the following: SIFT: "Tolerated"; PolyPhen-2: "Benign"; Align-GVGD: "Class C15". The serine amino acid residue is found in multiple mammalian species, which suggests that this missense change does not adversely affect protein function. This variant has not been reported in the literature in individuals affected with ITGAM-related conditions. This variant is present in population databases (rs756781462, gnomAD 0.007%). This sequence change replaces asparagine, which is neutral and polar, with serine, which is neutral and polar, at codon 692 of the ITGAM protein (p.Asn692Ser). Algorithms developed to predict the effect of sequence changes on RNA splicing suggest that this variant may create or strengthen a splice site. In summary, the available evidence is currently insufficient to determine the role of this variant in disease. Therefore, it has been classified as a Variant of Uncertain Significance.

NM_000632.4(ITGAM):c.2075A>G (p.Asn692Ser)

Gene: ITGAM (integrin subunit alpha M; plus strand). Cytogenetic location: 16p11.2.
Variant type: single nucleotide variant.
Coding change: c.2075A>G on transcript NM_000632.4 (MANE Select); coding-DNA position 2075, A replaced by G.
Protein change: p.Asn692Ser; replaces asparagine 692 with serine.
Molecular consequence: missense variant.
Genome position (GRCh38, 1-based): chr16:31,324,471, A>G. VCF-style: chr16-31324471-A-G. GRCh37 (hg19) VCF-style: chr16-31335792-A-G.
Other names: c.2075A>G (NM_000632.3); c.2078A>G, p.Asn693Ser (NM_001145808.2); short protein forms N692S, N693S.
Identifiers: ClinVar variation 1965269 (VCV001965269.6), dbSNP rs756781462, ClinGen allele CA8025724.